The following is an entry in ClinVar:

ClinVar aggregate classification (germline): Uncertain significance (1 of 4 stars; one submission).

Conditions:
Weaver syndrome (WVS). Also called: Weaver Smith syndrome; Overgrowth syndrome with accelerated skeletal maturation, unusual facies, and camptodactyly. Identifiers: Orphanet 3447, MedGen C0265210, MONDO:0010193, OMIM 277590.

Allele frequency attached by ClinVar (database versions not stated): gnomAD exomes below 0.00001; gnomAD 0.00001; TOPMed 0.00002.

Submission:

Labcorp Genetics (formerly Invitae), Labcorp
Classification: Uncertain significance for Weaver syndrome. Last evaluated: 2025-12-13. Review status: criteria provided, single submitter. Criteria: Invitae Variant Classification Sherloc (09022015). Collection method: clinical testing. Allele origin: germline.
Comment: This sequence change replaces threonine, which is neutral and polar, with methionine, which is neutral and non-polar, at codon 393 of the EZH2 protein (p.Thr393Met). This variant is present in population databases (no rsID available, gnomAD 0.003%). This variant has not been reported in the literature in individuals affected with EZH2-related conditions. ClinVar contains an entry for this variant (Variation ID: 528797). An algorithm developed to predict the effect of missense changes on protein structure and function (PolyPhen-2) suggests that this variant is likely to be disruptive. In summary, the available evidence is currently insufficient to determine the role of this variant in disease. Therefore, it has been classified as a Variant of Uncertain Significance.

NM_004456.5(EZH2):c.1178C>T (p.Thr393Met)

Gene: EZH2 (enhancer of zeste 2 polycomb repressive complex 2 subunit; minus strand). Cytogenetic location: 7q36.1.
Variant type: single nucleotide variant.
Coding change: c.1178C>T on transcript NM_004456.5 (MANE Select); coding-DNA position 1178, C replaced by T.
Protein change: p.Thr393Met; replaces threonine 393 with methionine.
Molecular consequence: missense variant.
Genome position (GRCh38, 1-based): chr7:148,817,939, G>A on the plus strand (C>T on the coding strand, the complement: EZH2 is on the minus strand). VCF-style: chr7-148817939-G-A. GRCh37 (hg19) VCF-style: chr7-148515031-G-A.
Other names: c.1163C>T, p.Thr388Met (NM_001203247.2); c.1136C>T, p.Thr379Met (NM_001203248.2, NM_001203249.2); c.1046C>T, p.Thr349Met (NM_152998.3); short protein forms T393M, T388M, T349M, T379M.
Identifiers: ClinVar variation 528797 (VCV000528797.9), dbSNP rs1200905474, ClinGen allele CA369716183.